The following is an entry in ClinVar:

NM_001199138.2(NLRC4):c.2037T>A (p.Tyr679Ter)

Gene: NLRC4 (NLR family CARD domain containing 4; minus strand). Cytogenetic location: 2p22.3.
Variant type: single nucleotide variant.
Coding change: c.2037T>A on transcript NM_001199138.2 (MANE Select); coding-DNA position 2037, T replaced by A.
Protein change: p.Tyr679Ter; replaces tyrosine 679 with a stop codon.
Molecular consequence: nonsense. On other transcripts: intron variant (1).
Genome position (GRCh38, 1-based): chr2:32,249,827, A>T on the plus strand (T>A on the coding strand, the complement: NLRC4 is on the minus strand). VCF-style: chr2-32249827-A-T. GRCh37 (hg19) VCF-style: chr2-32474896-A-T.
Other names: c.2037T>A, p.Tyr679Ter (NM_001199139.2, NM_021209.5); c.262+2592T>A (NM_001302504.1); short protein forms Y679*.
Identifiers: ClinVar variation 2026661 (VCV002026661.4), dbSNP rs770457586, ClinGen allele CA346511140.
Genomic context (GRCh38, chr2:32,249,827, plus strand): 5'-ACCAGCACATCTCTTTATTTGCAGCCTGAGGCTTGTGGCAGAGCTGAATATTTTCCCCAG[A>T]TATCTGATATCTTGCTTATTCAACTTGCTGAAATCCCGGAGTGTGACCTCCAGAGTCCTG-3'

ClinVar aggregate classification (germline): Uncertain significance (1 of 4 stars; one submission).

Conditions:
Periodic fever-infantile enterocolitis-autoinflammatory syndrome. Also called: Autoinflammation with infantile enterocolitis. Identifiers: Orphanet 436166, MedGen C4015067, MONDO:0014472, OMIM 616050.
Familial cold autoinflammatory syndrome 4 (FCAS4). Identifiers: Orphanet 47045, Orphanet 576349, MedGen C4015276, MONDO:0014498, OMIM 616115.

Submission:

Labcorp Genetics (formerly Invitae), Labcorp
Classification: Uncertain significance for Periodic fever-infantile enterocolitis-autoinflammatory syndrome; Familial cold autoinflammatory syndrome 4. Last evaluated: 2022-08-23. Review status: criteria provided, single submitter. Criteria: Invitae Variant Classification Sherloc (09022015). Collection method: clinical testing. Allele origin: germline.
Comment: In summary, the available evidence is currently insufficient to determine the role of this variant in disease. Therefore, it has been classified as a Variant of Uncertain Significance. This variant has not been reported in the literature in individuals affected with NLRC4-related conditions. This variant is not present in population databases (gnomAD no frequency). This sequence change creates a premature translational stop signal (p.Tyr679*) in the NLRC4 gene. It is expected to result in an absent or disrupted protein product. However, the current clinical and genetic evidence is not sufficient to establish whether loss-of-function variants in NLRC4 cause disease.